The following is an entry in ClinVar:

NM_014003.4(DHX38):c.607C>T (p.Arg203Ter)

Gene: DHX38 (DEAH-box helicase 38; plus strand). Cytogenetic location: 16q22.2.
Variant type: single nucleotide variant.
Coding change: c.607C>T on transcript NM_014003.4 (MANE Select); coding-DNA position 607, C replaced by T.
Protein change: p.Arg203Ter; replaces arginine 203 with a stop codon.
Molecular consequence: nonsense.
Genome position (GRCh38, 1-based): chr16:72,097,772, C>T. VCF-style: chr16-72097772-C-T. GRCh37 (hg19) VCF-style: chr16-72131671-C-T.
Other names: short protein forms R203*.
Identifiers: ClinVar variation 2106893 (VCV002106893.4), dbSNP rs753918448, ClinGen allele CA8160021.
Genomic context (GRCh38, chr16:72,097,772, plus strand): 5'-GAGCGAGATGGAGGGTCAGAGCGTAGCAGCAGAAGAAATGAACCCGAGAGCCCACGACAT[C>T]GACCTAAAGGTAGACTCACTGTTTTGGTGGCTTGTGAGGATTCAAGTGTATAAAAGGCAG-3'

ClinVar aggregate classification (germline): Uncertain significance (1 of 4 stars; one submission).

Allele frequency attached by ClinVar (database versions not stated): gnomAD exomes below 0.00001; ExAC 0.00001.
gnomAD v4.1: 4 of 1,613,476 alleles (0.00025%); highest among the groups gnomAD compares: East Asian, 0.0022%; no homozygotes.

Submission:

Labcorp Genetics (formerly Invitae), Labcorp
Classification: Uncertain significance. Last evaluated: 2022-03-04. Review status: criteria provided, single submitter. Criteria: Invitae Variant Classification Sherloc (09022015). Collection method: clinical testing. Allele origin: germline.
Comment: The frequency data for this variant in the population databases is considered unreliable, as metrics indicate poor data quality at this position in the gnomAD database. This variant has not been reported in the literature in individuals affected with DHX38-related conditions. Algorithms developed to predict the effect of sequence changes on RNA splicing suggest that this variant may disrupt the consensus splice site. In summary, the available evidence is currently insufficient to determine the role of this variant in disease. Therefore, it has been classified as a Variant of Uncertain Significance. This sequence change creates a premature translational stop signal (p.Arg203*) in the DHX38 gene. It is expected to result in an absent or disrupted protein product. However, the current clinical and genetic evidence is not sufficient to establish whether loss-of-function variants in DHX38 cause disease.